The following is an entry in ClinVar:

NM_022455.5(NSD1):c.2704G>A (p.Glu902Lys)

Gene: NSD1 (nuclear receptor binding SET domain protein 1; plus strand). Cytogenetic location: 5q35.3.
Variant type: single nucleotide variant.
Coding change: c.2704G>A on transcript NM_022455.5 (MANE Select); coding-DNA position 2704, G replaced by A.
Protein change: p.Glu902Lys; replaces glutamic acid 902 with lysine.
Molecular consequence: missense variant.
Genome position (GRCh38, 1-based): chr5:177,211,103, G>A. VCF-style: chr5-177211103-G-A. GRCh37 (hg19) VCF-style: chr5-176638104-G-A.
Other names: c.1831G>A, p.Glu611Lys (NM_172349.5, NM_001409309.1, NM_001365684.2 and 3 more transcripts); c.2704G>A, p.Glu902Lys (NM_001409301.1, NM_001409302.1, NM_001409303.1); c.2284G>A, p.Glu762Lys (NM_001409304.1); c.1951G>A, p.Glu651Lys (NM_001409305.1); short protein forms E611K, E651K, E762K, E902K.
Identifiers: ClinVar variation 3629712 (VCV003629712.2).

ClinVar aggregate classification (germline): Uncertain significance. Review status: criteria provided, multiple submitters, no conflicts (2 of 4 stars). 2 submissions from 2 submitters: Uncertain significance (2). Last evaluated 2026-01-14.

Conditions:
Inborn genetic diseases. Identifiers: MedGen C0950123, MeSH D030342.

Submissions (2):

Ambry Genetics
Classification: Uncertain significance for Inborn genetic diseases. Last evaluated: 2026-01-14. Review status: criteria provided, single submitter. Criteria: Ambry Variant Classification Scheme 2023. Collection method: clinical testing. Allele origin: germline.

Women's Health and Genetics/Laboratory Corporation of America, LabCorp
Classification: Uncertain significance. Last evaluated: 2024-11-11. Review status: criteria provided, single submitter. Criteria: LabCorp Variant Classification Summary - May 2015. Collection method: clinical testing. Allele origin: germline.
Comment: Variant summary: NSD1 c.2704G>A (p.Glu902Lys) results in a conservative amino acid change in the encoded protein sequence. Three of five in-silico tools predict a damaging effect of the variant on protein function. The variant was absent in 251428 control chromosomes. The available data on variant occurrences in the general population are insufficient to allow any conclusion about variant significance. To our knowledge, no occurrence of c.2704G>A in individuals affected with Sotos Syndrome and no experimental evidence demonstrating its impact on protein function have been reported. No submitters have cited clinical-significance assessments for this variant to ClinVar. Based on the evidence outlined above, the variant was classified as uncertain significance.